The following is an entry in ClinVar:

ClinVar aggregate classification (germline): Uncertain significance. Review status: criteria provided, multiple submitters, no conflicts (2 of 4 stars). 3 submissions from 3 submitters: Uncertain significance (3). Last evaluated 2025-04-30.

Conditions:
Spermatogenic failure 18. Identifiers: MedGen C4539783, MONDO:0054615, OMIM 617576.
Ciliary dyskinesia, primary, 37 (CILD37). Also called: CILIARY DYSKINESIA, PRIMARY, 37, WITH OR WITHOUT SITUS INVERSUS. Identifiers: MedGen C4539798, MONDO:0033204, OMIM 617577.

Allele frequency attached by ClinVar (database versions not stated): gnomAD exomes 0.00017 and 0.00006; ESP Exome Variant Server 0.00024; ExAC 0.00002; gnomAD 0.00009; TOPMed 0.00012.
gnomAD v4.1: 265 of 1,610,974 alleles (0.016%); highest among the groups gnomAD compares: Non-Finnish European, 0.021%; no homozygotes.

Submissions (3):

Ambry Genetics
Classification: Uncertain significance. Last evaluated: 2025-04-30. Review status: criteria provided, single submitter. Criteria: Ambry Variant Classification Scheme 2023. Collection method: clinical testing. Allele origin: germline.

GeneDx
Classification: Uncertain significance. Last evaluated: 2023-02-02. Review status: criteria provided, single submitter. Criteria: GeneDx Variant Classification Process June 2021. Collection method: clinical testing. Allele origin: germline. Affected: yes.
Comment: In silico analysis supports that this missense variant does not alter protein structure/function; Has not been previously published as pathogenic or benign to our knowledge

Labcorp Genetics (formerly Invitae), Labcorp
Classification: Uncertain significance for Ciliary dyskinesia, primary, 37; Spermatogenic failure 18. Last evaluated: 2022-07-19. Review status: criteria provided, single submitter. Criteria: Invitae Variant Classification Sherloc (09022015). Collection method: clinical testing. Allele origin: germline.
Comment: This sequence change replaces serine, which is neutral and polar, with cysteine, which is neutral and slightly polar, at codon 1146 of the DNAH1 protein (p.Ser1146Cys). This variant is present in population databases (rs61734641, gnomAD 0.01%). This variant has not been reported in the literature in individuals affected with DNAH1-related conditions. ClinVar contains an entry for this variant (Variation ID: 639993). Algorithms developed to predict the effect of missense changes on protein structure and function are either unavailable or do not agree on the potential impact of this missense change (SIFT: "Deleterious"; PolyPhen-2: "Possibly Damaging"; Align-GVGD: "Class C15"). In summary, the available evidence is currently insufficient to determine the role of this variant in disease. Therefore, it has been classified as a Variant of Uncertain Significance.

NM_015512.5(DNAH1):c.3436A>T (p.Ser1146Cys)

Gene: DNAH1 (dynein axonemal heavy chain 1; plus strand). Cytogenetic location: 3p21.1.
Variant type: single nucleotide variant.
Coding change: c.3436A>T on transcript NM_015512.5 (MANE Select); coding-DNA position 3436, A replaced by T.
Protein change: p.Ser1146Cys; replaces serine 1146 with cysteine.
Molecular consequence: missense variant.
Genome position (GRCh38, 1-based): chr3:52,353,589, A>T. VCF-style: chr3-52353589-A-T. GRCh37 (hg19) VCF-style: chr3-52387605-A-T.
Other names: short protein forms S1146C.
Identifiers: ClinVar variation 639993 (VCV000639993.6), dbSNP rs61734641, ClinGen allele CA2433567.